The following is an entry in ClinVar:

ClinVar aggregate classification (germline): Uncertain significance. Review status: criteria provided, multiple submitters, no conflicts (2 of 4 stars). 3 submissions from 3 submitters: Uncertain significance (3). Last evaluated 2026-01-19.

Allele frequency attached by ClinVar (database versions not stated): 1000 Genomes Project 30x 0.00016; ExAC 0.00016; 1000 Genomes Project 0.00020; TOPMed 0.00025; gnomAD 0.00031; ESP Exome Variant Server 0.00038.
gnomAD v4.1: 138 of 1,613,732 alleles (0.0086%); highest among the groups gnomAD compares: East Asian, 0.1%; no homozygotes.

Submissions (3):

Labcorp Genetics (formerly Invitae), Labcorp
Classification: Uncertain significance. Last evaluated: 2026-01-19. Review status: criteria provided, single submitter. Criteria: Invitae Variant Classification Sherloc (09022015). Collection method: clinical testing. Allele origin: germline.
Comment: This sequence change replaces alanine, which is neutral and non-polar, with valine, which is neutral and non-polar, at codon 104 of the MYLK3 protein (p.Ala104Val). This variant is present in population databases (rs148872608, gnomAD 0.07%), and has an allele count higher than expected for a pathogenic variant. This variant has not been reported in the literature in individuals affected with MYLK3-related conditions. ClinVar contains an entry for this variant (Variation ID: 1390291). An algorithm developed to predict the effect of missense changes on protein structure and function outputs the following: PolyPhen-2: "Benign". The valine amino acid residue is found in multiple mammalian species, which suggests that this missense change does not adversely affect protein function. In summary, the available evidence is currently insufficient to determine the role of this variant in disease. Therefore, it has been classified as a Variant of Uncertain Significance.

Ambry Genetics
Classification: Uncertain significance. Last evaluated: 2024-10-21. Review status: criteria provided, single submitter. Criteria: Ambry Variant Classification Scheme 2023. Collection method: clinical testing. Allele origin: germline.

Breakthrough Genomics
Classification: Uncertain significance. Review status: criteria provided, single submitter. Criteria: ACMG Guidelines, 2015. Collection method: not provided. Allele origin: germline. Inheritance: Unknown mechanism. Affected: yes.

NM_182493.3(MYLK3):c.311C>T (p.Ala104Val)

Gene: MYLK3 (myosin light chain kinase 3; minus strand). Cytogenetic location: 16q11.2.
Variant type: single nucleotide variant.
Coding change: c.311C>T on transcript NM_182493.3 (MANE Select); coding-DNA position 311, C replaced by T.
Protein change: p.Ala104Val; replaces alanine 104 with valine.
Molecular consequence: missense variant. On other transcripts: intron variant (1).
Genome position (GRCh38, 1-based): chr16:46,747,883, G>A on the plus strand (C>T on the coding strand, the complement: MYLK3 is on the minus strand). VCF-style: chr16-46747883-G-A. GRCh37 (hg19) VCF-style: chr16-46781795-G-A.
Other names: c.-113-7736C>T (NM_001308301.1); c.311C>T (NM_182493.2); short protein forms A104V.
Identifiers: ClinVar variation 1390291 (VCV001390291.8), dbSNP rs148872608, ClinGen allele CA8038282.